The following is an entry in ClinVar:

ClinVar aggregate classification (germline): Conflicting classifications of pathogenicity. Review status: criteria provided, conflicting classifications (1 of 4 stars). 5 submissions from 5 submitters: Uncertain significance (4); Likely benign (1). Last evaluated 2026-04-30.

Conditions:
NEK1-related disorder. Also called: NEK1-related condition.
Inborn genetic diseases. Identifiers: MedGen C0950123, MeSH D030342.
Short-rib thoracic dysplasia 6 with or without polydactyly (SRTD6). Also called: SHORT-RIB THORACIC DYSPLASIA 6 WITH POLYDACTYLY; SHORT-RIB THORACIC DYSPLASIA 6 WITHOUT POLYDACTYLY; POLYDACTYLY WITH NEONATAL CHONDRODYSTROPHY, TYPE II; Majewski Syndrome; SHORT RIB-POLYDACTYLY SYNDROME, TYPE IIA. Identifiers: MedGen C0024507, MONDO:0009894, OMIM 263520.

Allele frequency attached by ClinVar (database versions not stated): gnomAD exomes 0.00004 and 0.00006; ExAC 0.00007; ESP Exome Variant Server 0.00008; TOPMed 0.00012; gnomAD 0.00014 and 0.00016; 1000 Genomes Project 30x 0.00047.

Submissions (5):

PreventionGenetics, part of Exact Sciences
Classification: Uncertain significance for NEK1-related condition. Last evaluated: 2026-04-30. Review status: criteria provided, single submitter. Criteria: ACMG Guidelines, 2015. Collection method: clinical testing. Allele origin: germline.
Comment: The NEK1 c.292G>A variant is predicted to result in the amino acid substitution p.Val98Ile. This variant has been reported in the heterozygous state in an individual with amyotrophic lateral sclerosis (ALS, Pensanto et al. 2025. PubMed ID: 40536530). This variant is reported in 0.045% of alleles in individuals of African descent in gnomAD. At this time, the clinical significance of this variant is uncertain due to the absence of conclusive functional and genetic evidence.

Labcorp Genetics (formerly Invitae), Labcorp
Classification: Uncertain significance for Short-rib thoracic dysplasia 6 with or without polydactyly. Last evaluated: 2026-01-26. Review status: criteria provided, single submitter. Criteria: Invitae Variant Classification Sherloc (09022015). Collection method: clinical testing. Allele origin: germline.
Comment: This sequence change replaces valine, which is neutral and non-polar, with isoleucine, which is neutral and non-polar, at codon 98 of the NEK1 protein (p.Val98Ile). This variant is present in population databases (rs115005766, gnomAD 0.05%). This variant has not been reported in the literature in individuals affected with NEK1-related conditions. ClinVar contains an entry for this variant (Variation ID: 435972). Invitae Evidence Modeling of protein sequence and biophysical properties (such as structural, functional, and spatial information, amino acid conservation, physicochemical variation, residue mobility, and thermodynamic stability) indicates that this missense variant is not expected to disrupt NEK1 protein function with a negative predictive value of 95%. In summary, the available evidence is currently insufficient to determine the role of this variant in disease. Therefore, it has been classified as a Variant of Uncertain Significance.

Ambry Genetics
Classification: Likely benign for Inborn genetic diseases. Last evaluated: 2025-08-10. Review status: criteria provided, single submitter. Criteria: Ambry Variant Classification Scheme 2023. Collection method: clinical testing. Allele origin: germline.

Eurofins Ntd Llc (ga)
Classification: Uncertain significance. Last evaluated: 2017-08-31. Review status: criteria provided, single submitter. Criteria: EGL Classification Definitions 2015. Collection method: clinical testing. Allele origin: germline. Observed: 1 variant allele, 1 heterozygote.

Genetic Services Laboratory, University of Chicago
Classification: Uncertain significance. Last evaluated: 2017-01-05. Review status: criteria provided, single submitter. Criteria: ACMG Guidelines, 2015. Collection method: clinical testing. Allele origin: germline. Affected: no.

NM_001199397.3(NEK1):c.292G>A (p.Val98Ile)

Gene: NEK1 (NIMA related kinase 1; minus strand). Cytogenetic location: 4q33.
Variant type: single nucleotide variant.
Coding change: c.292G>A on transcript NM_001199397.3 (MANE Select); coding-DNA position 292, G replaced by A.
Protein change: p.Val98Ile; replaces valine 98 with isoleucine.
Molecular consequence: missense variant.
Genome position (GRCh38, 1-based): chr4:169,599,120, C>T on the plus strand (G>A on the coding strand, the complement: NEK1 is on the minus strand). VCF-style: chr4-169599120-C-T. GRCh37 (hg19) VCF-style: chr4-170520271-C-T.
Other names: c.292G>A, p.Val98Ile (NM_001199398.3, NM_001199399.3, NM_001199400.3 and 7 more transcripts); short protein forms V98I.
Identifiers: ClinVar variation 435972 (VCV000435972.22), dbSNP rs115005766, ClinGen allele CA3138062.